The following is an entry in ClinVar:

ClinVar aggregate classification (germline): Likely benign. Review status: criteria provided, multiple submitters, no conflicts (2 of 4 stars). 4 submissions from 4 submitters: Likely benign (4). Last evaluated 2026-09-08.

Conditions:
COG7-related disorder. Also called: COG7-related condition.
COG7 congenital disorder of glycosylation (CDG2E). Also called: CONGENITAL DISORDER OF GLYCOSYLATION, TYPE IIe; CDG IIe. Identifiers: Orphanet 79333, MedGen C2931010, MONDO:0012118, OMIM 608779.

Allele frequency attached by ClinVar (database versions not stated): gnomAD exomes 0.00010 and 0.00031; ExAC 0.00040; 1000 Genomes Project 30x 0.00109; 1000 Genomes Project 0.00120; gnomAD 0.00123 and 0.00139; TOPMed 0.00142; ESP Exome Variant Server 0.00144.

Submissions (4):

PreventionGenetics, part of Exact Sciences
Classification: Likely benign for COG7-related condition. Last evaluated: 2026-09-08. Review status: criteria provided, single submitter. Criteria: ACMG Guidelines, 2015. Collection method: clinical testing. Allele origin: germline.
Comment: This variant is classified as likely benign based on ACMG/AMP sequence variant interpretation guidelines (Richards et al. 2015 PMID: 25741868, with internal and published modifications).

Labcorp Genetics (formerly Invitae), Labcorp
Classification: Likely benign for COG7 congenital disorder of glycosylation. Last evaluated: 2026-01-26. Review status: criteria provided, single submitter. Criteria: Invitae Variant Classification Sherloc (09022015). Collection method: clinical testing. Allele origin: germline.

Blueprint Genetics
Classification: Likely benign. Last evaluated: 2024-10-18. Review status: criteria provided, single submitter. Criteria: ACMG Guidelines, 2015. Collection method: clinical testing. Allele origin: germline.

GeneDx
Classification: Likely benign. Last evaluated: 2016-04-25. Review status: criteria provided, single submitter. Criteria: GeneDx Variant Classification (06012015). Collection method: clinical testing. Allele origin: germline. Affected: yes.
Comment: This variant is considered likely benign or benign based on one or more of the following criteria: it is a conservative change, it occurs at a poorly conserved position in the protein, it is predicted to be benign by multiple in silico algorithms, and/or has population frequency not consistent with disease.

NM_153603.4(COG7):c.810+6del

Gene: COG7 (component of oligomeric golgi complex 7; minus strand). Cytogenetic location: 16p12.2.
Variant type: Deletion.
Coding change: c.810+6del on transcript NM_153603.4 (MANE Select); 6 bases into the intron after coding-DNA position 810, one base deleted (A; older notation c.810+6delA).
Molecular consequence: intron variant.
Genome position (GRCh38, 1-based): chr16:23,433,539, T deleted on the plus strand (A on the coding strand, the reverse complement: COG7 is on the minus strand). VCF-style (leftmost placement, unchanged base first): chr16-23433538-CT-C. GRCh37 (hg19) VCF-style: chr16-23444859-CT-C.
Other names: c.810+6del (NM_153603.3).
Identifiers: ClinVar variation 318484 (VCV000318484.17), dbSNP rs150104389, ClinGen allele CA7961185.
Genomic context (GRCh38, chr16:23,433,538, plus strand): 5'-CGAGGCAGTCACCCGTTCCCTTGTCACCACAGACTCTGTTCTCCCTAGAACAAAAATGAG[CT>C]GTTACCTGTGTAGCCCACTGGATTTGTGTGTGCCAAGCACCAAGCAAGGCATCATAGAGT-3'